The following is an entry in ClinVar:

NM_000493.4(COL10A1):c.1951T>G (p.Trp651Gly)

Genes: COL10A1 (collagen type X alpha 1 chain; minus strand), NT5DC1 (5'-nucleotidase domain containing 1; plus strand). Cytogenetic location: 6q22.1.
Variant type: single nucleotide variant.
Coding change: c.1951T>G on transcript NM_000493.4 (MANE Select); coding-DNA position 1951, T replaced by G.
Protein change: p.Trp651Gly; replaces tryptophan 651 with glycine.
Molecular consequence: missense variant. On other transcripts: intron variant (1).
Genome position (GRCh38, 1-based): chr6:116,120,165, A>C on the plus strand (T>G on the coding strand, the complement: COL10A1 is on the minus strand). VCF-style: chr6-116120165-A-C. GRCh37 (hg19) VCF-style: chr6-116441328-A-C.
Other names: c.1951T>G, p.Trp651Gly (NM_001424106.1, NM_001424107.1); c.529+2220A>C (NM_152729.3); short protein forms W651G.
Identifiers: ClinVar variation 1719581 (VCV001719581.6), dbSNP rs111033549, ClinGen allele CA365386333.

ClinVar aggregate classification (germline): Uncertain significance (1 of 4 stars; one submission).

Submission:

Labcorp Genetics (formerly Invitae), Labcorp
Classification: Uncertain significance. Last evaluated: 2022-07-19. Review status: criteria provided, single submitter. Criteria: Invitae Variant Classification Sherloc (09022015). Collection method: clinical testing. Allele origin: germline.
Comment: Algorithms developed to predict the effect of missense changes on protein structure and function (SIFT, PolyPhen-2, Align-GVGD) all suggest that this variant is likely to be disruptive. This variant has not been reported in the literature in individuals affected with COL10A1-related conditions. This variant is not present in population databases (gnomAD no frequency). This sequence change replaces tryptophan, which is neutral and slightly polar, with glycine, which is neutral and non-polar, at codon 651 of the COL10A1 protein (p.Trp651Gly). In summary, the available evidence is currently insufficient to determine the role of this variant in disease. Therefore, it has been classified as a Variant of Uncertain Significance.